The following is an entry in ClinVar:

ClinVar aggregate classification (germline): Uncertain significance (1 of 4 stars; one submission).

Conditions:
Charcot-Marie-Tooth disease dominant intermediate B (CMTDIB). Also called: CHARCOT-MARIE-TOOTH NEUROPATHY, DOMINANT INTERMEDIATE B; Charcot-Marie-Tooth disease dominant intermediate 1; CMT DI1; Charcot-Marie-Tooth disease dominant intermediate I. Identifiers: Orphanet 100044, Orphanet 228179, MedGen C1847902, MONDO:0011674, OMIM 606482.

Allele frequency attached by ClinVar (database versions not stated): gnomAD exomes below 0.00001.
gnomAD v4.1: 2 of 1,610,654 alleles (0.00012%); highest among the groups gnomAD compares: Non-Finnish European, 0.00017%; no homozygotes.

Submission:

Labcorp Genetics (formerly Invitae), Labcorp
Classification: Uncertain significance for Charcot-Marie-Tooth disease dominant intermediate B. Last evaluated: 2019-08-22. Review status: criteria provided, single submitter. Criteria: Invitae Variant Classification Sherloc (09022015). Collection method: clinical testing. Allele origin: germline.
Comment: In summary, the available evidence is currently insufficient to determine the role of this variant in disease. Therefore, it has been classified as a Variant of Uncertain Significance. This variant has not been reported in the literature in individuals with DNM2-related conditions. This variant is not present in population databases (ExAC no frequency). This sequence change replaces proline with serine at codon 866 of the DNM2 protein (p.Pro866Ser). The proline residue is moderately conserved and there is a moderate physicochemical difference between proline and serine.

NM_001005361.3(DNM2):c.2596C>T (p.Pro866Ser)

Gene: DNM2 (dynamin 2; plus strand). Cytogenetic location: 19p13.2.
Variant type: single nucleotide variant.
Coding change: c.2596C>T on transcript NM_001005361.3 (MANE Select); coding-DNA position 2596, C replaced by T.
Protein change: p.Pro866Ser; replaces proline 866 with serine.
Molecular consequence: missense variant.
Genome position (GRCh38, 1-based): chr19:10,831,030, C>T. VCF-style: chr19-10831030-C-T. GRCh37 (hg19) VCF-style: chr19-10941706-C-T.
Other names: c.2596C>T, p.Pro866Ser (NM_001005360.3); c.2584C>T, p.Pro862Ser (NM_001005362.3, NM_004945.4); c.2593C>T, p.Pro865Ser (NM_001190716.2); short protein forms P862S, P866S, P865S.
Identifiers: ClinVar variation 941155 (VCV000941155.9), dbSNP rs1242764198, ClinGen allele CA404044650.
Genomic context (GRCh38, chr19:10,831,030, plus strand): 5'-CTTTGCAGCAGAAGACCCCCTGCTGCGCCCAGCCGGCCCACCATTATCCGCCCAGCCGAG[C>T]CATCCCTGCTCGACTAGGCCTCGAGGGGGGCGTGCTCTCGGGGGGGCCTCACGCACCCGC-3'
Protein context (NP_001005361.1, residues 856-870): SRPTIIRPAE[Pro866Ser]SLLD